The following is an entry in ClinVar:

ClinVar aggregate classification (germline): Uncertain significance. Review status: criteria provided, single submitter (1 of 4 stars). 2 submissions from 2 submitters: Uncertain significance (1). 1 of the submissions does not count toward it. Last evaluated 2024-07-23.

Conditions:
Thrombophilia due to protein S deficiency, autosomal recessive (THPH6). Identifiers: Orphanet 743, MedGen C3281092, MONDO:0013791, OMIM 614514. Disease mechanism: loss of function.
PROS1-related disorder. Also called: PROS1-related condition.

gnomAD v4.1: 22 of 1,613,824 alleles (0.0014%); highest among the groups gnomAD compares: South Asian, 0.022%; no homozygotes.

Submissions (2):

Labcorp Genetics (formerly Invitae), Labcorp
Classification: Uncertain significance for Thrombophilia due to protein S deficiency, autosomal recessive. Last evaluated: 2024-07-23. Review status: criteria provided, single submitter. Criteria: Invitae Variant Classification Sherloc (09022015). Collection method: clinical testing. Allele origin: germline.
Comment: This sequence change falls in intron 1 of the PROS1 gene. It does not directly change the encoded amino acid sequence of the PROS1 protein. It affects a nucleotide within the consensus splice site. This variant is present in population databases (rs556707757, gnomAD 0.04%). This variant has not been reported in the literature in individuals affected with PROS1-related conditions. Variants that disrupt the consensus splice site are a relatively common cause of aberrant splicing (PMID: 17576681, 9536098). Algorithms developed to predict the effect of sequence changes on RNA splicing suggest that this variant may disrupt the consensus splice site. In summary, the available evidence is currently insufficient to determine the role of this variant in disease. Therefore, it has been classified as a Variant of Uncertain Significance.

PreventionGenetics, part of Exact Sciences
Classification: Likely benign for PROS1-related condition. Last evaluated: 2024-07-18. Review status: no assertion criteria provided. Collection method: clinical testing. Allele origin: germline. Not counted in ClinVar's aggregate classification.
Comment: This variant is classified as likely benign based on ACMG/AMP sequence variant interpretation guidelines (Richards et al. 2015 PMID: 25741868, with internal and published modifications).

Literature cited by the submitters: PubMed 17576681 (cited by Labcorp Genetics (formerly Invitae), Labcorp); PubMed 9536098 (cited by Labcorp Genetics (formerly Invitae), Labcorp).

NM_000313.4(PROS1):c.77-3C>A

Gene: PROS1 (protein S; minus strand). Cytogenetic location: 3q11.1.
Variant type: single nucleotide variant.
Coding change: c.77-3C>A on transcript NM_000313.4 (MANE Select); 3 bases into the intron before coding-DNA position 77, C replaced by A.
Molecular consequence: intron variant.
Genome position (GRCh38, 1-based): chr3:93,927,410, G>T on the plus strand (C>A on the coding strand, the complement: PROS1 is on the minus strand). VCF-style: chr3-93927410-G-T. GRCh37 (hg19) VCF-style: chr3-93646254-G-T.
Other names: c.173-3C>A (NM_001314077.2).
Identifiers: ClinVar variation 3354358 (VCV003354358.3).
Genomic context (GRCh38, chr3:93,927,410, plus strand): 5'-AAAGAATTTGCACGACGCTTCCTAACCAGGACTTGTGAAGCCTGTTGCTTTGACAAAACT[G>T]AAGGAAACAATCAGTTTATATGAATTAATCATTTTTCCATGTAAAATATATTGTTTTATT-3'